The following is an entry in ClinVar:

ClinVar aggregate classification (germline): Uncertain significance (1 of 4 stars; one submission).

Conditions:
Inborn genetic diseases. Identifiers: MedGen C0950123, MeSH D030342.

Submission:

Ambry Genetics
Classification: Uncertain significance for Inborn genetic diseases. Last evaluated: 2026-04-20. Review status: criteria provided, single submitter. Criteria: Ambry Variant Classification Scheme 2023. Collection method: clinical testing. Allele origin: germline.
Comment: The p.L47F variant (also known as c.139C>T), located in coding exon 1 of the ANKRD26 gene, results from a C to T substitution at nucleotide position 139. The leucine at codon 47 is replaced by phenylalanine, an amino acid with highly similar properties. This amino acid position is conserved. In addition, this alteration is predicted to be tolerated by in silico analysis. Based on the available evidence, the clinical significance of this variant remains unclear.

NM_014915.3(ANKRD26):c.139C>T (p.Leu47Phe)

Genes: ANKRD26 (ankyrin repeat domain 26; minus strand), LOC130003554 (ATAC-STARR-seq lymphoblastoid silent region 2243; plus strand). Cytogenetic location: 10p12.1.
Variant type: single nucleotide variant.
Coding change: c.139C>T on transcript NM_014915.3 (MANE Select); coding-DNA position 139, C replaced by T.
Protein change: p.Leu47Phe; replaces leucine 47 with phenylalanine.
Molecular consequence: missense variant.
Genome position (GRCh38, 1-based): chr10:27,100,188, G>A on the plus strand (C>T on the coding strand, the complement: ANKRD26 is on the minus strand). VCF-style: chr10-27100188-G-A. GRCh37 (hg19) VCF-style: chr10-27389117-G-A.
Other names: c.139C>T, p.Leu47Phe (NM_001256053.2); short protein forms L47F.
Identifiers: ClinVar variation 4859400 (VCV004859400.1).